The following is an entry in ClinVar:

NM_016169.4(SUFU):c.256G>T (p.Glu86Ter)

Gene: SUFU (SUFU negative regulator of hedgehog signaling; plus strand). Cytogenetic location: 10q24.32.
Variant type: single nucleotide variant.
Coding change: c.256G>T on transcript NM_016169.4 (MANE Select); coding-DNA position 256, G replaced by T.
Protein change: p.Glu86Ter; replaces glutamic acid 86 with a stop codon.
Molecular consequence: nonsense.
Genome position (GRCh38, 1-based): chr10:102,509,242, G>T. VCF-style: chr10-102509242-G-T. GRCh37 (hg19) VCF-style: chr10-104268999-G-T.
Other names: c.256G>T, p.Glu86Ter (NM_001178133.2); short protein forms E86*.
Identifiers: ClinVar variation 2945856 (VCV002945856.3), dbSNP rs770989077, ClinGen allele CA377888750.

ClinVar aggregate classification (germline): Pathogenic (1 of 4 stars; one submission).

Conditions:
Gorlin syndrome. Also called: Nevoid Basal Cell Carcinoma Syndrome; Basal cell nevus syndrome. Identifiers: Orphanet 377, MedGen C0004779, MONDO:0007187.
Medulloblastoma (MDB). Also called: MEDULLOBLASTOMA PREDISPOSITION SYNDROME; Medulloblastoma, somatic. Identifiers: Orphanet 616, MedGen C0025149, MeSH D008527, MONDO:0007959, OMIM 155255, HP:0002885.

Submission:

Labcorp Genetics (formerly Invitae), Labcorp
Classification: Pathogenic for Gorlin syndrome; Medulloblastoma. Last evaluated: 2023-03-27. Review status: criteria provided, single submitter. Criteria: Invitae Variant Classification Sherloc (09022015). Collection method: clinical testing. Allele origin: germline.
Comment: For these reasons, this variant has been classified as Pathogenic. This variant has not been reported in the literature in individuals affected with SUFU-related conditions. This variant is not present in population databases (gnomAD no frequency). This sequence change creates a premature translational stop signal (p.Glu86*) in the SUFU gene. It is expected to result in an absent or disrupted protein product. Loss-of-function variants in SUFU are known to be pathogenic (PMID: 22508808, 25403219, 33024317).

Literature cited by the submitters: PubMed 22508808; PubMed 25403219; PubMed 33024317.